The following is an entry in ClinVar:

ClinVar aggregate classification (germline): Uncertain significance. Review status: criteria provided, multiple submitters, no conflicts (2 of 4 stars). 3 submissions from 3 submitters: Uncertain significance (2). 1 of the submissions does not count toward it. Last evaluated 2025-09-10.

Conditions:
Retinal dystrophy. Also called: Inherited retinal dystrophy. Identifiers: Orphanet 71862, MedGen C0854723, MeSH D058499, MONDO:0019118, HP:0000556.
Inborn genetic diseases. Identifiers: MedGen C0950123, MeSH D030342.

Allele frequency attached by ClinVar (database versions not stated): gnomAD exomes 0.00003; ExAC 0.00007; TOPMed below 0.00001; gnomAD 0.00001.
gnomAD v4.1: 41 of 1,614,038 alleles (0.0025%); highest among the groups gnomAD compares: South Asian, 0.045%; 2 homozygotes.

Submissions (3):

Ambry Genetics
Classification: Uncertain significance for Inborn genetic diseases. Last evaluated: 2025-09-10. Review status: criteria provided, single submitter. Criteria: Ambry Variant Classification Scheme 2023. Collection method: clinical testing. Allele origin: germline.

Labcorp Genetics (formerly Invitae), Labcorp
Classification: Uncertain significance. Last evaluated: 2022-08-20. Review status: criteria provided, single submitter. Criteria: Invitae Variant Classification Sherloc (09022015). Collection method: clinical testing. Allele origin: germline.
Comment: This sequence change replaces phenylalanine, which is neutral and non-polar, with leucine, which is neutral and non-polar, at codon 156 of the TUBGCP6 protein (p.Phe156Leu). This variant is present in population databases (rs751077211, gnomAD 0.05%), including at least one homozygous and/or hemizygous individual. This variant has not been reported in the literature in individuals affected with TUBGCP6-related conditions. Algorithms developed to predict the effect of missense changes on protein structure and function output the following: SIFT: "Tolerated"; PolyPhen-2: "Benign"; Align-GVGD: "Class C0". The leucine amino acid residue is found in multiple mammalian species, which suggests that this missense change does not adversely affect protein function. In summary, the available evidence is currently insufficient to determine the role of this variant in disease. Therefore, it has been classified as a Variant of Uncertain Significance.

Institute of Human Genetics, Univ. Regensburg, Univ. Regensburg
Classification: Uncertain significance for Retinal dystrophy. Last evaluated: 2022-01-01. Review status: no assertion criteria provided. Criteria: ACMG Guidelines, 2015. Collection method: clinical testing. Allele origin: germline. Affected: yes. Not counted in ClinVar's aggregate classification.

NM_020461.4(TUBGCP6):c.466T>C (p.Phe156Leu)

Gene: TUBGCP6 (tubulin gamma complex component 6; minus strand). Cytogenetic location: 22q13.33.
Variant type: single nucleotide variant.
Coding change: c.466T>C on transcript NM_020461.4 (MANE Select); coding-DNA position 466, T replaced by C.
Protein change: p.Phe156Leu; replaces phenylalanine 156 with leucine.
Molecular consequence: missense variant.
Genome position (GRCh38, 1-based): chr22:50,243,994, A>G on the plus strand (T>C on the coding strand, the complement: TUBGCP6 is on the minus strand). VCF-style: chr22-50243994-A-G. GRCh37 (hg19) VCF-style: chr22-50682423-A-G.
Other names: c.466T>C (NM_020461.3); short protein forms F156L.
Identifiers: ClinVar variation 1953106 (VCV001953106.6), dbSNP rs751077211, ClinGen allele CA10309049.
Genomic context (GRCh38, chr22:50,243,994, plus strand): 5'-GGATCATGCTGTGACACAAACACTCTTCTCTGGAGATCAGAGACTGAACGTCCATCTCAA[A>G]CACACTCAGGTCGTCGCAATCATAGCCGCTGTACGGAACGTTTCTCCCCACATGCTTGTT-3'
Protein context (NP_065194.3, residues 146-166): SGYDCDDLSV[Phe156Leu]EMDVQSLISR